The following is an entry in ClinVar:

ClinVar aggregate classification (germline): Likely pathogenic. Review status: criteria provided, multiple submitters, no conflicts (2 of 4 stars). 7 submissions from 7 submitters: Likely pathogenic (3). 4 of the submissions do not count toward it. Last evaluated 2025-02-06.

Conditions:
Achromatopsia 3 (ACHM3). Also called: PINGELAPESE BLINDNESS; ACHROMATOPSIA WITH MYOPIA; TOTAL COLORBLINDNESS WITH MYOPIA; ROD MONOCHROMACY 1; ROD MONOCHROMATISM 1. Identifiers: Orphanet 49382, MedGen C1849792, MONDO:0009875, OMIM 262300.

Allele frequency attached by ClinVar (database versions not stated): gnomAD exomes below 0.00001.
gnomAD v4.1: 2 of 1,613,778 alleles (0.00012%); highest among the groups gnomAD compares: South Asian, 0.0022%; no homozygotes.

Submissions (7):

Myriad Genetics, Inc.
Classification: Likely pathogenic for Achromatopsia 3. Last evaluated: 2025-02-06. Review status: criteria provided, single submitter. Criteria: Myriad Autosomal Dominant, Autosomal Recessive and X-Linked Classification Criteria (2023). Collection method: clinical testing. Allele origin: unknown.
Comment: NM_019098.4(CNGB3):c.1480+1G>A is a variant in a canonical splice site classified as likely pathogenic in the context of achromatopsia, CNGB3-related. c.1480+1G>A has been observed in a case with relevant disease (PMID: 28795510). Relevant functional assessments of this variant are not available in the literature. c.1480+1G>A has not been observed in referenced population frequency databases. In summary, NM_019098.4(CNGB3):c.1480+1G>A is a variant in a canonical splice site in a gene where loss of function is a known mechanism of disease, is predicted to disrupt protein function, and has been observed more frequently in cases with the relevant disease than in healthy populations. Please note: this variant was assessed in the context of healthy population screening.

Fulgent Genetics
Classification: Likely pathogenic for Achromatopsia 3. Last evaluated: 2024-01-03. Review status: criteria provided, single submitter. Criteria: ACMG Guidelines, 2015. Collection method: clinical testing. Allele origin: germline.

Labcorp Genetics (formerly Invitae), Labcorp
Classification: Likely pathogenic. Last evaluated: 2022-08-07. Review status: criteria provided, single submitter. Criteria: Invitae Variant Classification Sherloc (09022015). Collection method: clinical testing. Allele origin: germline.
Comment: This sequence change affects a donor splice site in intron 12 of the CNGB3 gene. It is expected to disrupt RNA splicing. Variants that disrupt the donor or acceptor splice site typically lead to a loss of protein function (PMID: 16199547), and loss-of-function variants in CNGB3 are known to be pathogenic (PMID: 28795510). In summary, the currently available evidence indicates that the variant is pathogenic, but additional data are needed to prove that conclusively. Therefore, this variant has been classified as Likely Pathogenic. Algorithms developed to predict the effect of sequence changes on RNA splicing suggest that this variant may disrupt the consensus splice site. ClinVar contains an entry for this variant (Variation ID: 370865). Disruption of this splice site has been observed in individual(s) with achromatopsia (PMID: 28795510). This variant is not present in population databases (gnomAD no frequency).

Molecular Genetics Laboratory, Institute for Ophthalmic Research
Classification: Pathogenic for ACHM3. Last evaluated: 2017-03-27. Review status: no assertion criteria provided. Collection method: research. Allele origin: germline. Affected: yes. Not counted in ClinVar's aggregate classification.

Counsyl
Classification: Likely pathogenic for Achromatopsia 3. Last evaluated: 2016-05-04. Review status: no assertion criteria provided. Collection method: clinical testing. Allele origin: unknown. Not counted in ClinVar's aggregate classification.

Clinical Genetics DNA and cytogenetics Diagnostics Lab, Erasmus MC, Erasmus Medical Center
Classification: Pathogenic. Review status: no assertion criteria provided. Collection method: clinical testing. Allele origin: germline. Affected: yes. Study: VKGL Data-share Consensus. Not counted in ClinVar's aggregate classification.

Joint Genome Diagnostic Labs from Nijmegen and Maastricht, Radboudumc and MUMC+
Classification: Pathogenic. Review status: no assertion criteria provided. Collection method: clinical testing. Allele origin: germline. Affected: yes. Study: VKGL Data-share Consensus. Not counted in ClinVar's aggregate classification.

Literature cited by the submitters: PubMed 28795510 (cited by 3 submitters); PubMed 16199547 (cited by Labcorp Genetics (formerly Invitae), Labcorp).

NM_019098.5(CNGB3):c.1480+1G>A

Gene: CNGB3 (cyclic nucleotide gated channel subunit beta 3; minus strand). Cytogenetic location: 8q21.3.
Variant type: single nucleotide variant.
Coding change: c.1480+1G>A on transcript NM_019098.5 (MANE Select); the canonical splice donor site of the intron after coding-DNA position 1480, G replaced by A.
Molecular consequence: splice donor variant.
Genome position (GRCh38, 1-based): chr8:86,628,918, C>T on the plus strand (G>A on the coding strand, the complement: CNGB3 is on the minus strand). VCF-style: chr8-86628918-C-T. GRCh37 (hg19) VCF-style: chr8-87641146-C-T.
Identifiers: ClinVar variation 370865 (VCV000370865.14), dbSNP rs1057516825, ClinGen allele CA16041191.
Genomic context (GRCh38, chr8:86,628,918, plus strand): 5'-ACAGAATTTTCATCATATGACAAGGTTTACAGGAATTTAATCGGTAATCTGCCATGCTTA[C>T]CTAGCATTCTTTGAGAGTCCCATGTATATTCATACCAAGTCCGAACTCGCTTTTGCACAA-3'